The following is an entry in ClinVar:

ClinVar aggregate classification (germline): Likely benign (1 of 4 stars; one submission).

Submission:

CeGaT Center for Human Genetics Tuebingen
Classification: Likely benign. Last evaluated: 2026-04-01. Review status: criteria provided, single submitter. Criteria: CeGaT Center For Human Genetics Tuebingen Variant Classification Criteria Version 2. Collection method: clinical testing. Allele origin: germline. Affected: yes. Observed: 1 variant allele.
Comment: SLC5A6: BP4, BP7

NM_021095.4(SLC5A6):c.1008C>T (p.Phe336=)

Gene: SLC5A6 (solute carrier family 5 member 6; minus strand). Cytogenetic location: 2p23.3.
Variant type: single nucleotide variant.
Coding change: c.1008C>T on transcript NM_021095.4 (MANE Select); coding-DNA position 1008, C replaced by T.
Protein change: p.Phe336=; no amino-acid change (phenylalanine 336 retained).
Molecular consequence: synonymous variant. On other transcripts: non-coding transcript variant (1).
Genome position (GRCh38, 1-based): chr2:27,203,865, G>A on the plus strand (C>T on the coding strand, the complement: SLC5A6 is on the minus strand). VCF-style: chr2-27203865-G-A. GRCh37 (hg19) VCF-style: chr2-27426733-G-A.
Identifiers: ClinVar variation 4872763 (VCV004872763.2).